The following is an entry in ClinVar:

NM_182504.4(TMEM270):c.435G>A (p.Leu145=)

Gene: TMEM270 (transmembrane protein 270; plus strand). Cytogenetic location: 7q11.23.
Variant type: single nucleotide variant.
Coding change: c.435G>A on transcript NM_182504.4 (MANE Select); coding-DNA position 435, G replaced by A.
Protein change: p.Leu145=; no amino-acid change (leucine 145 retained).
Molecular consequence: synonymous variant.
Genome position (GRCh38, 1-based): chr7:73,865,355, G>A. VCF-style: chr7-73865355-G-A. GRCh37 (hg19) VCF-style: chr7-73279685-G-A.
Identifiers: ClinVar variation 2657573 (VCV002657573.24), dbSNP rs200982533, ClinGen allele CA4292075.

ClinVar aggregate classification (germline): Likely benign (1 of 4 stars; one submission).

Allele frequency attached by ClinVar (database versions not stated): TOPMed 0.00030; gnomAD 0.00031; ESP Exome Variant Server 0.00039; ExAC 0.00074; 1000 Genomes Project 30x 0.00094; 1000 Genomes Project 0.00100.

Submission:

CeGaT Center for Human Genetics Tuebingen
Classification: Likely benign. Last evaluated: 2022-09-01. Review status: criteria provided, single submitter. Criteria: CeGaT Center For Human Genetics Tuebingen Variant Classification Criteria Version 2. Collection method: clinical testing. Allele origin: germline. Affected: yes. Observed: 1 variant allele.
Comment: TMEM270: BP4, BP7